The following is an entry in ClinVar:

ClinVar aggregate classification (germline): Benign (1 of 4 stars; one submission).

Conditions:
Pheochromocytoma/paraganglioma syndrome 4. Also called: CAROTID BODY TUMORS AND MULTIPLE EXTRAADRENAL PHEOCHROMOCYTOMAS; PARAGANGLIOMA, FAMILIAL MALIGNANT; PARAGANGLIOMAS, HEREDITARY EXTRAADRENAL; PHEOCHROMOCYTOMA, FAMILIAL EXTRAADRENAL; Paragangliomas 4; SDHB-Related Hereditary Paraganglioma-Pheochromocytoma Syndrome (Paragangliomas 4). Identifiers: Orphanet 29072, MedGen C1861848, MONDO:0007273, OMIM 115310.

gnomAD v4.1: 5 of 1,596,404 alleles (0.00031%); highest among the groups gnomAD compares: South Asian, 0.0022%; no homozygotes.

Submission:

Myriad Genetics, Inc.
Classification: Benign for Pheochromocytoma/paraganglioma syndrome 4. Last evaluated: 2025-03-13. Review status: criteria provided, single submitter. Criteria: Myriad Autosomal Dominant, Autosomal Recessive and X-Linked Classification Criteria (2023). Collection method: clinical testing. Allele origin: unknown.
Comment: This variant is considered benign. This variant occurs in the non-coding 3' untranslated region of the gene, and is not expected to impact protein function.

NM_003000.3(SDHB):c.*6T>C

Gene: SDHB (succinate dehydrogenase complex iron sulfur subunit B; minus strand). Cytogenetic location: 1p36.13.
Variant type: single nucleotide variant.
Coding change: c.*6T>C on transcript NM_003000.3 (MANE Select); 6 bases downstream of the stop codon, T replaced by C.
Molecular consequence: 3 prime UTR variant.
Genome position (GRCh38, 1-based): chr1:17,018,875, A>G on the plus strand (T>C on the coding strand, the complement: SDHB is on the minus strand). VCF-style: chr1-17018875-A-G. GRCh37 (hg19) VCF-style: chr1-17345370-A-G.
Other names: c.*6T>C (NM_001407361.1).
Identifiers: ClinVar variation 3904417 (VCV003904417.1).